The following is an entry in ClinVar:

ClinVar aggregate classification (germline): Likely pathogenic. Review status: criteria provided, multiple submitters, no conflicts (2 of 4 stars). 2 submissions from 2 submitters: Likely pathogenic (2). Last evaluated 2024-01-05.

Conditions:
Primary dilated cardiomyopathy (DCM). Also called: Dilated Cardiomyopathy. Identifiers: Orphanet 217604, MedGen C0007193, MeSH D002311, MONDO:0005021, HP:0001644. Inheritance: Various modes of inheritance.
Dilated cardiomyopathy 1G (CMD1G). Identifiers: Orphanet 154, MedGen C1858763, MONDO:0011400, OMIM 604145.
Autosomal recessive limb-girdle muscular dystrophy type 2J (LGMDR10). Also called: Limb-girdle muscular dystrophy, type 2J; MUSCULAR DYSTROPHY, LIMB-GIRDLE, AUTOSOMAL RECESSIVE 10. Identifiers: Orphanet 140922, MedGen C1837342, MONDO:0012127, OMIM 608807.

Submissions (2):

Labcorp Genetics (formerly Invitae), Labcorp
Classification: Likely pathogenic for Dilated cardiomyopathy 1G; Autosomal recessive limb-girdle muscular dystrophy type 2J. Last evaluated: 2024-01-05. Review status: criteria provided, single submitter. Criteria: Invitae Variant Classification Sherloc (09022015). Collection method: clinical testing. Allele origin: germline.
Comment: This sequence change creates a premature translational stop signal (p.Glu26062*) in the TTN gene. While this is not anticipated to result in nonsense mediated decay, it is expected to create a truncated TTN protein. This variant is not present in population databases (gnomAD no frequency). This premature translational stop signal has been observed in individual(s) with dilated cardiomyopathy (PMID: 25589632, 31983221; Invitae). ClinVar contains an entry for this variant (Variation ID: 223291). This variant is located in the A band of TTN (PMID: 25589632). Truncating variants in this region are significantly overrepresented in patients affected with dilated cardiomyopathy (PMID: 25589632). Truncating variants in this region have also been reported in individuals affected with autosomal recessive centronuclear myopathy (PMID: 23975875). In summary, the currently available evidence indicates that the variant is pathogenic, but additional data are needed to prove that conclusively. Therefore, this variant has been classified as Likely Pathogenic.

Cardiovascular Biomedical Research Unit, Royal Brompton & Harefield NHS Foundation Trust
Classification: Likely pathogenic for Primary dilated cardiomyopathy. Last evaluated: 2014-10-08. Review status: criteria provided, single submitter. Criteria: Roberts et al. 2015. Collection method: research. Allele origin: germline. Inheritance: Autosomal dominant inheritance. Affected: yes. Observed: 1 variant allele. Study: Unselected DCM.
Comment: In the seven cohorts assessed, TTNtv were found in 14% of ambulant DCM, 22% end-stage or familial DCM, and 2% controls. Heterozygous nonsense, frameshift and canonical splice-disrupting variants found in constitutive and other highly utilised exons are highly likely to be pathogenic when identified in individuals with phenotypically confirmed DCM. TTNtv found incidentally in healthy individuals (excluding familial assessment of DCM relatives) are thought to have low penetrance, particularly when identified in exons that are not constitutively expressed in the heart.

Literature cited by the submitters: PubMed 25589632 (cited by Labcorp Genetics (formerly Invitae), Labcorp); PubMed 31983221 (cited by Labcorp Genetics (formerly Invitae), Labcorp); PubMed 23975875 (cited by Labcorp Genetics (formerly Invitae), Labcorp).

NM_001267550.2(TTN):c.78184G>T (p.Glu26062Ter)

Genes: TTN (titin; minus strand), TTN-AS1 (TTN antisense RNA 1; plus strand). Cytogenetic location: 2q31.2.
Variant type: single nucleotide variant.
Coding change: c.78184G>T on transcript NM_001267550.2 (MANE Select); coding-DNA position 78184, G replaced by T.
Protein change: p.Glu26062Ter; replaces glutamic acid 26062 with a stop codon.
Molecular consequence: nonsense.
Genome position (GRCh38, 1-based): chr2:178,567,948, C>A on the plus strand (G>T on the coding strand, the complement: TTN is on the minus strand). VCF-style: chr2-178567948-C-A. GRCh37 (hg19) VCF-style: chr2-179432675-C-A.
Other names: c.78184G>T (LRG_391t1); c.73261G>T, p.Glu24421Ter (NM_001256850.1); c.50989G>T, p.Glu16997Ter (NM_003319.4); c.70480G>T, p.Glu23494Ter (NM_133378.4); c.51364G>T, p.Glu17122Ter (NM_133432.3); c.51565G>T, p.Glu17189Ter (NM_133437.4); short protein forms E26062*, E17122*, E17189*, E23494*, E16997*, E24421*.
Identifiers: ClinVar variation 223291 (VCV000223291.10), dbSNP rs869312057, ClinGen allele CA353360.